The following is an entry in ClinVar:

NM_012478.4(WBP2):c.398-3T>G

Gene: WBP2 (WW domain binding protein 2; minus strand). Cytogenetic location: 17q25.1.
Variant type: single nucleotide variant.
Coding change: c.398-3T>G on transcript NM_012478.4 (MANE Select); 3 bases into the intron before coding-DNA position 398, T replaced by G.
Molecular consequence: intron variant.
Genome position (GRCh38, 1-based): chr17:75,847,933, A>C on the plus strand (T>G on the coding strand, the complement: WBP2 is on the minus strand). VCF-style: chr17-75847933-A-C. GRCh37 (hg19) VCF-style: chr17-73844014-A-C.
Other names: c.398-3T>G (NM_001348170.1); c.398-324T>G (NM_001330499.2).
Identifiers: ClinVar variation 2986181 (VCV002986181.3), dbSNP rs1294302477, ClinGen allele CA627596618.

ClinVar aggregate classification (germline): Uncertain significance (1 of 4 stars; one submission).

Allele frequency attached by ClinVar (database versions not stated): gnomAD exomes below 0.00001.
gnomAD v4.1: 1 of 1,563,978 alleles (0.000064%); highest among the groups gnomAD compares: Admixed American, 0.0019%; no homozygotes.

Submission:

Labcorp Genetics (formerly Invitae), Labcorp
Classification: Uncertain significance. Last evaluated: 2022-12-25. Review status: criteria provided, single submitter. Criteria: Invitae Variant Classification Sherloc (09022015). Collection method: clinical testing. Allele origin: germline.
Comment: This sequence change falls in intron 4 of the WBP2 gene. It does not directly change the encoded amino acid sequence of the WBP2 protein. It affects a nucleotide within the consensus splice site. This variant is present in population databases (no rsID available, gnomAD 0.004%). This variant has not been reported in the literature in individuals affected with WBP2-related conditions. Variants that disrupt the consensus splice site are a relatively common cause of aberrant splicing (PMID: 17576681, 9536098). Algorithms developed to predict the effect of sequence changes on RNA splicing suggest that this variant may disrupt the consensus splice site. In summary, the available evidence is currently insufficient to determine the role of this variant in disease. Therefore, it has been classified as a Variant of Uncertain Significance.

Literature cited by the submitters: PubMed 17576681; PubMed 9536098.